The following is an entry in ClinVar:

ClinVar aggregate classification (germline): Uncertain significance. Review status: criteria provided, multiple submitters, no conflicts (2 of 4 stars). 3 submissions from 3 submitters: Uncertain significance (3). Last evaluated 2025-10-02.

Conditions:
Gnathodiaphyseal dysplasia (GDD). Also called: GNATHODIAPHYSEAL SCLEROSIS; OSTEOGENESIS IMPERFECTA WITH UNUSUAL SKELETAL LESIONS. Identifiers: Orphanet 53697, MedGen C1833736, MONDO:0008151, OMIM 166260.
Autosomal recessive limb-girdle muscular dystrophy type 2L (LGMDR12). Also called: Limb-girdle muscular dystrophy, type 2L; Limb-Girdle Muscular Dystrophy R12 Anoctamin-5-Related (LGMD-R12); MUSCULAR DYSTROPHY, LIMB-GIRDLE, AUTOSOMAL RECESSIVE 12. Identifiers: Orphanet 206549, MedGen C1969785, MONDO:0012652, OMIM 611307.

Allele frequency attached by ClinVar (database versions not stated): TOPMed below 0.00001.
gnomAD v4.1: 6 of 1,614,078 alleles (0.00037%); highest among the groups gnomAD compares: Non-Finnish European, 0.00051%; no homozygotes.

Submissions (3):

Labcorp Genetics (formerly Invitae), Labcorp
Classification: Uncertain significance for Autosomal recessive limb-girdle muscular dystrophy type 2L; Gnathodiaphyseal dysplasia. Last evaluated: 2025-10-02. Review status: criteria provided, single submitter. Criteria: Invitae Variant Classification Sherloc (09022015). Collection method: clinical testing. Allele origin: germline.
Comment: This sequence change replaces leucine, which is neutral and non-polar, with phenylalanine, which is neutral and non-polar, at codon 355 of the ANO5 protein (p.Leu355Phe). This variant is not present in population databases (gnomAD no frequency). This missense change has been observed in individual(s) with ANO5-related conditions (PMID: 30564623). ClinVar contains an entry for this variant (Variation ID: 283236). Invitae Evidence Modeling of protein sequence and biophysical properties (such as structural, functional, and spatial information, amino acid conservation, physicochemical variation, residue mobility, and thermodynamic stability) indicates that this missense variant is expected to disrupt ANO5 protein function with a positive predictive value of 95%. In summary, the available evidence is currently insufficient to determine the role of this variant in disease. Therefore, it has been classified as a Variant of Uncertain Significance.

MGZ Medical Genetics Center
Classification: Uncertain significance for Autosomal recessive limb-girdle muscular dystrophy type 2L. Last evaluated: 2022-07-25. Review status: criteria provided, single submitter. Criteria: ACMG Guidelines, 2015. Collection method: clinical testing. Allele origin: germline. Affected: yes. Observed: 1 variant allele.
Comment: ACMG criteria applied: PS4_MOD, PM2_SUP, PM3_SUP, PP3

Eurofins Ntd Llc (ga)
Classification: Uncertain significance. Last evaluated: 2015-12-07. Review status: criteria provided, single submitter. Criteria: EGL Classification Definitions 2015. Collection method: clinical testing. Allele origin: germline. Observed: 1 variant allele, 1 heterozygote.

Literature cited by the submitters: PubMed 30564623 (cited by Labcorp Genetics (formerly Invitae), Labcorp).

NM_213599.3(ANO5):c.1063C>T (p.Leu355Phe)

Gene: ANO5 (anoctamin 5; plus strand). Cytogenetic location: 11p14.3.
Variant type: single nucleotide variant.
Coding change: c.1063C>T on transcript NM_213599.3 (MANE Select); coding-DNA position 1063, C replaced by T.
Protein change: p.Leu355Phe; replaces leucine 355 with phenylalanine.
Molecular consequence: missense variant.
Genome position (GRCh38, 1-based): chr11:22,250,790, C>T. VCF-style: chr11-22250790-C-T. GRCh37 (hg19) VCF-style: chr11-22272336-C-T.
Other names: c.1060C>T, p.Leu354Phe (NM_001142649.2); short protein forms L355F, L354F.
Identifiers: ClinVar variation 283236 (VCV000283236.10), dbSNP rs886042583, ClinGen allele CA10604434.